The following is an entry in ClinVar:

NM_001135998.3(NDUFB11):c.338+22G>A

Gene: NDUFB11 (NADH:ubiquinone oxidoreductase subunit B11; minus strand). Cytogenetic location: Xp11.3.
Variant type: single nucleotide variant.
Coding change: c.338+22G>A on transcript NM_001135998.3 (MANE Select); 22 bases into the intron after coding-DNA position 338, G replaced by A.
Molecular consequence: intron variant. On other transcripts: synonymous variant (1).
Genome position (GRCh38, 1-based): chrX:47,142,592, C>T on the plus strand (G>A on the coding strand, the complement: NDUFB11 is on the minus strand). VCF-style: chrX-47142592-C-T. GRCh37 (hg19) VCF-style: chrX-47001991-C-T.
Other names: c.360G>A, p.Ala120= (NM_019056.7).
Identifiers: ClinVar variation 704717 (VCV000704717.35), dbSNP rs191275787, ClinGen allele CA10394901.

ClinVar aggregate classification (germline): Benign/Likely benign. Review status: criteria provided, multiple submitters, no conflicts (2 of 4 stars). 4 submissions from 4 submitters: Benign (1); Likely benign (3). Last evaluated 2025-12-01.

Allele frequency attached by ClinVar (database versions not stated): TOPMed 0.00006; gnomAD 0.00010 and 0.00013; gnomAD exomes 0.00021 and 0.00034; ExAC 0.00041; 1000 Genomes Project 30x 0.00042; 1000 Genomes Project 0.00053.
gnomAD v4.1: 254 of 1,209,141 alleles (0.021%); highest among the groups gnomAD compares: South Asian, 0.16%; no homozygotes.

Submissions (4):

Labcorp Genetics (formerly Invitae), Labcorp
Classification: Benign. Last evaluated: 2025-12-01. Review status: criteria provided, single submitter. Criteria: Invitae Variant Classification Sherloc (09022015). Collection method: clinical testing. Allele origin: germline.

Blueprint Genetics
Classification: Likely benign. Last evaluated: 2024-09-12. Review status: criteria provided, single submitter. Criteria: ACMG Guidelines, 2015. Collection method: clinical testing. Allele origin: germline.

CeGaT Center for Human Genetics Tuebingen
Classification: Likely benign. Last evaluated: 2023-03-01. Review status: criteria provided, single submitter. Criteria: CeGaT Center For Human Genetics Tuebingen Variant Classification Criteria Version 2. Collection method: clinical testing. Allele origin: germline. Affected: yes. Observed: 1 variant allele.
Comment: NDUFB11: BP4, BP7, BS2

GeneDx
Classification: Likely benign. Last evaluated: 2020-09-08. Review status: criteria provided, single submitter. Criteria: GeneDx Variant Classification Process June 2021. Collection method: clinical testing. Allele origin: germline. Affected: yes.